The following is an entry in ClinVar:

NM_002397.5(MEF2C):c.524C>T (p.Pro175Leu)

Gene: MEF2C (myocyte enhancer factor 2C; minus strand). Cytogenetic location: 5q14.3.
Variant type: single nucleotide variant.
Coding change: c.524C>T on transcript NM_002397.5 (MANE Select); coding-DNA position 524, C replaced by T.
Protein change: p.Pro175Leu; replaces proline 175 with leucine.
Molecular consequence: missense variant.
Genome position (GRCh38, 1-based): chr5:88,751,922, G>A on the plus strand (C>T on the coding strand, the complement: MEF2C is on the minus strand). VCF-style: chr5-88751922-G-A. GRCh37 (hg19) VCF-style: chr5-88047739-G-A.
Other names: c.524C>T, p.Pro175Leu (NM_001364350.2, NM_001193350.2, NM_001308002.3 and 18 more transcripts); c.518C>T, p.Pro173Leu (NM_001364352.2, NM_001131005.2, NM_001364343.2); c.146C>T, p.Pro49Leu (NM_001364353.2, NM_001364356.2); c.380C>T, p.Pro127Leu (NM_001364354.2, NM_001364355.2, NM_001193348.1 and 3 more transcripts); c.98C>T, p.Pro33Leu (NM_001364357.2); c.578C>T, p.Pro193Leu (NM_001193347.1, NM_001364338.2); short protein forms P127L, P173L, P175L, P193L, P33L, P49L.
Identifiers: ClinVar variation 1254383 (VCV001254383.2), dbSNP rs2152524882, ClinGen allele CA360423795.

ClinVar aggregate classification (germline): Uncertain significance (1 of 4 stars; one submission).

Submission:

GeneDx
Classification: Uncertain significance. Last evaluated: 2019-10-14. Review status: criteria provided, single submitter. Criteria: GeneDx Variant Classification Process June 2021. Collection method: clinical testing. Allele origin: germline. Affected: yes.
Comment: Not observed in large population cohorts (Lek et al., 2016); In silico analysis, which includes protein predictors and evolutionary conservation, supports a deleterious effect; Has not been previously published as pathogenic or benign to our knowledge